The following is an entry in ClinVar:

NM_018706.7(DHTKD1):c.2135G>A (p.Arg712Gln)

Gene: DHTKD1 (dehydrogenase E1 and transketolase domain containing 1; plus strand). Cytogenetic location: 10p14.
Variant type: single nucleotide variant.
Coding change: c.2135G>A on transcript NM_018706.7 (MANE Select); coding-DNA position 2135, G replaced by A.
Protein change: p.Arg712Gln; replaces arginine 712 with glutamine.
Molecular consequence: missense variant.
Genome position (GRCh38, 1-based): chr10:12,107,996, G>A. VCF-style: chr10-12107996-G-A. GRCh37 (hg19) VCF-style: chr10-12149995-G-A.
Other names: short protein forms R712Q.
Identifiers: ClinVar variation 1423422 (VCV001423422.6), dbSNP rs755668251, ClinGen allele CA5408144.
Genomic context (GRCh38, chr10:12,107,996, plus strand): 5'-GCATCGTCATCCTCCTTCCACATGGCTACGATGGGGCTGGGCCAGACCACTCATCCTGTC[G>A]AATAGAGCGTTTCCTGCAGGTAAGGGTAACGTCTTCCGGAGTCAATGAATCATTTTCCTG-3'
Protein context (NP_061176.4, residues 702-722): DGAGPDHSSC[Arg712Gln]IERFLQMCDS

ClinVar aggregate classification (germline): Uncertain significance (1 of 4 stars; one submission).

Conditions:
2-aminoadipic 2-oxoadipic aciduria (AAKAD). Also called: ALPHA-AMINOADIPIC AND ALPHA-KETOADIPIC ACIDURIA; Aminoadipic aciduria. Identifiers: Orphanet 79154, MedGen C1859817, MONDO:0008774, OMIM 204750.

Allele frequency attached by ClinVar (database versions not stated): ExAC 0.00001; gnomAD 0.00001; TOPMed 0.00001.
gnomAD v4.1: 12 of 1,613,474 alleles (0.00074%); highest among the groups gnomAD compares: African/African-American, 0.004%; no homozygotes.

Submission:

Labcorp Genetics (formerly Invitae), Labcorp
Classification: Uncertain significance for 2-aminoadipic 2-oxoadipic aciduria. Last evaluated: 2021-10-04. Review status: criteria provided, single submitter. Criteria: Invitae Variant Classification Sherloc (09022015). Collection method: clinical testing. Allele origin: germline.
Comment: This variant is present in population databases (rs755668251, ExAC 0.001%). In summary, the available evidence is currently insufficient to determine the role of this variant in disease. Therefore, it has been classified as a Variant of Uncertain Significance. Algorithms developed to predict the effect of missense changes on protein structure and function are either unavailable or do not agree on the potential impact of this missense change (SIFT: "Tolerated"; PolyPhen-2: "Probably Damaging"; Align-GVGD: "Class C0"). This variant has not been reported in the literature in individuals affected with DHTKD1-related conditions. This sequence change replaces arginine with glutamine at codon 712 of the DHTKD1 protein (p.Arg712Gln). The arginine residue is moderately conserved and there is a small physicochemical difference between arginine and glutamine.